The following is an entry in ClinVar:

ClinVar aggregate classification (germline): Likely benign (1 of 4 stars; one submission).

Allele frequency attached by ClinVar (database versions not stated): gnomAD 0.00001; ESP Exome Variant Server 0.00008; ExAC 0.00002; TOPMed 0.00007.
gnomAD v4.1: 27 of 1,611,734 alleles (0.0017%); highest among the groups gnomAD compares: African/African-American, 0.0027%; no homozygotes.

Submission:

Laboratory for Molecular Medicine, Mass General Brigham Personalized Medicine
Classification: Likely benign. Last evaluated: 2018-10-24. Review status: criteria provided, single submitter. Criteria: LMM Criteria. Collection method: clinical testing. Allele origin: germline. Observed: 1 variant allele.
Comment: The p.Thr1244Met variant in OTOF is classified as likely benign due to a lack of conservation across species. Several species including mammals have Methionine (Met) at this position. It has been identified in 6/125060 European chromosomes by the Genome Aggregation Database (gnomAD). A CMG/AMP Criteria applied: BP4_Strong

NM_194248.3(OTOF):c.3731C>T (p.Thr1244Met)

Gene: OTOF (otoferlin; minus strand). Cytogenetic location: 2p23.3.
Variant type: single nucleotide variant.
Coding change: c.3731C>T on transcript NM_194248.3 (MANE Select); coding-DNA position 3731, C replaced by T.
Protein change: p.Thr1244Met; replaces threonine 1244 with methionine.
Molecular consequence: missense variant.
Genome position (GRCh38, 1-based): chr2:26,473,134, G>A on the plus strand (C>T on the coding strand, the complement: OTOF is on the minus strand). VCF-style: chr2-26473134-G-A. GRCh37 (hg19) VCF-style: chr2-26696002-G-A.
Other names: c.3731C>T, p.Thr1244Met (NM_001287489.2); c.1490C>T, p.Thr497Met (NM_004802.4, NM_194323.3); c.1661C>T, p.Thr554Met (NM_194322.3); short protein forms T1244M, T554M, T497M.
Identifiers: ClinVar variation 667142 (VCV000667142.4), dbSNP rs368293095, ClinGen allele CA1563465.